The following is an entry in ClinVar:

NM_002087.4(GRN):c.430G>A (p.Asp144Asn)

Gene: GRN (granulin precursor; plus strand). Cytogenetic location: 17q21.31.
Variant type: single nucleotide variant.
Coding change: c.430G>A on transcript NM_002087.4 (MANE Select); coding-DNA position 430, G replaced by A.
Protein change: p.Asp144Asn; replaces aspartic acid 144 with asparagine.
Molecular consequence: missense variant.
Genome position (GRCh38, 1-based): chr17:44,350,308, G>A. VCF-style: chr17-44350308-G-A. GRCh37 (hg19) VCF-style: chr17-42427676-G-A.
Other names: short protein forms D144N.
Identifiers: ClinVar variation 1739622 (VCV001739622.8), dbSNP rs200591137, ClinGen allele CA8601881.

ClinVar aggregate classification (germline): Uncertain significance. Review status: criteria provided, multiple submitters, no conflicts (2 of 4 stars). 4 submissions from 4 submitters: Uncertain significance (4). Last evaluated 2026-06-01.

Conditions:
GRN-related frontotemporal lobar degeneration with Tdp43 inclusions (FTD2). Also called: GRN Frontotemporal Dementia; FRONTOTEMPORAL DEMENTIA WITH TDP43 INCLUSIONS, GRN-RELATED; DEMENTIA, HEREDITARY DYSPHASIC DISINHIBITION; FRONTOTEMPORAL LOBAR DEGENERATION WITH UBIQUITIN-POSITIVE INCLUSIONS; FTLD-TDP, GRN-RELATED. Identifiers: Orphanet 100070, Orphanet 282, MedGen C1843792, MONDO:0011842, OMIM 607485. Disease mechanism: loss of function.
Neuronal ceroid lipofuscinosis 11. Also called: GRN-Related Neuronal Ceroid-Lipofuscinosis. Identifiers: Orphanet 314629, Orphanet 79262, MedGen C3539123, MONDO:0013866, OMIM 614706.
Inborn genetic diseases. Identifiers: MedGen C0950123, MeSH D030342.

Allele frequency attached by ClinVar (database versions not stated): ExAC 0.00001; gnomAD exomes 0.00001.

Submissions (5):

CeGaT Center for Human Genetics Tuebingen
Classification: Uncertain significance. Last evaluated: 2026-06-01. Review status: criteria provided, single submitter. Criteria: CeGaT Center For Human Genetics Tuebingen Variant Classification Criteria Version 2. Collection method: clinical testing. Allele origin: germline. Affected: yes. Observed: 1 variant allele.
Comment: GRN: PM2, PM3, BP4

Labcorp Genetics (formerly Invitae), Labcorp
Classification: Uncertain significance for Neuronal ceroid lipofuscinosis 11; GRN-related frontotemporal lobar degeneration with Tdp43 inclusions. Last evaluated: 2025-03-17. Review status: criteria provided, single submitter. Criteria: Invitae Variant Classification Sherloc (09022015). Collection method: clinical testing. Allele origin: germline.
Comment: This sequence change replaces aspartic acid, which is acidic and polar, with asparagine, which is neutral and polar, at codon 144 of the GRN protein (p.Asp144Asn). This variant is present in population databases (rs200591137, gnomAD 0.003%). This missense change has been observed in individual(s) with clinical features of epileptic encephalopathy and/or clinical features of primary progressive aphasia (PMID: 32705489, 34162492, 34544842). ClinVar contains an entry for this variant (Variation ID: 1739622). Invitae Evidence Modeling of protein sequence and biophysical properties (such as structural, functional, and spatial information, amino acid conservation, physicochemical variation, residue mobility, and thermodynamic stability) indicates that this missense variant is not expected to disrupt GRN protein function with a negative predictive value of 80%. In summary, the available evidence is currently insufficient to determine the role of this variant in disease. Therefore, it has been classified as a Variant of Uncertain Significance.

Blueprint Genetics
Classification: Uncertain significance. Last evaluated: 2024-03-20. Review status: criteria provided, single submitter. Criteria: ACMG Guidelines, 2015. Collection method: clinical testing. Allele origin: germline.

Ambry Genetics
Classification: Uncertain significance for Inborn genetic diseases. Last evaluated: 2017-06-29. Review status: criteria provided, single submitter. Criteria: Ambry Variant Classification Scheme 2023. Collection method: clinical testing. Allele origin: germline.
Comment: The p.D144N variant (also known as c.430G>A), located in coding exon 4 of the GRN gene, results from a G to A substitution at nucleotide position 430. The aspartic acid at codon 144 is replaced by asparagine, an amino acid with highly similar properties. This amino acid position is not conserved on species alignment. In addition, this alteration is predicted to be tolerated by in silico analysis. Since supporting evidence is limited at this time, the clinical significance of this alteration remains unclear.

Dr. Peter K. Rogan Lab, Western University
No classification provided (evidence only). Condition: Uterine corpus endometrial carcinoma. Review status: no classification provided. Collection method: in vitro. Allele origin: not applicable. Functional consequence: retained intron. Not counted in ClinVar's aggregate classification.

Literature cited by the submitters: PubMed 32705489 (cited by Labcorp Genetics (formerly Invitae), Labcorp); PubMed 34162492 (cited by Labcorp Genetics (formerly Invitae), Labcorp); PubMed 34544842 (cited by Labcorp Genetics (formerly Invitae), Labcorp).